The following is an entry in ClinVar:

ClinVar aggregate classification (germline): Uncertain significance. Review status: criteria provided, multiple submitters, no conflicts (2 of 4 stars). 5 submissions from 5 submitters: Uncertain significance (4). 1 of the submissions does not count toward it. Last evaluated 2025-10-22.

Conditions:
Inborn genetic diseases. Identifiers: MedGen C0950123, MeSH D030342.
Senior-Loken syndrome 7 (SLSN7). Identifiers: Orphanet 3156, MedGen C3150877, MONDO:0013326, OMIM 613615.
Bardet-Biedl syndrome 16 (BBS16). Identifiers: Orphanet 110, MedGen C3889474, MONDO:0014444, OMIM 615993.
SDCCAG8-related disorder. Also called: SDCCAG8-Related Disorders; SDCCAG8-related condition.

Allele frequency attached by ClinVar (database versions not stated): ExAC 0.00001; TOPMed 0.00002; gnomAD 0.00003; gnomAD exomes 0.00003.
gnomAD v4.1: 44 of 1,613,940 alleles (0.0027%); highest among the groups gnomAD compares: Non-Finnish European, 0.0034%; 1 homozygote.

Submissions (5):

Labcorp Genetics (formerly Invitae), Labcorp
Classification: Uncertain significance for Bardet-Biedl syndrome 16; Senior-Loken syndrome 7. Last evaluated: 2025-10-22. Review status: criteria provided, single submitter. Criteria: Invitae Variant Classification Sherloc (09022015). Collection method: clinical testing. Allele origin: germline.
Comment: This sequence change replaces arginine, which is basic and polar, with tryptophan, which is neutral and slightly polar, at codon 22 of the SDCCAG8 protein (p.Arg22Trp). This variant is present in population databases (rs753770267, gnomAD 0.004%). This variant has not been reported in the literature in individuals affected with SDCCAG8-related conditions. ClinVar contains an entry for this variant (Variation ID: 3158890). An algorithm developed to predict the effect of missense changes on protein structure and function (PolyPhen-2) suggests that this variant is likely to be tolerated. In summary, the available evidence is currently insufficient to determine the role of this variant in disease. Therefore, it has been classified as a Variant of Uncertain Significance.

Fulgent Genetics
Classification: Uncertain significance for Senior-Loken syndrome 7; Bardet-Biedl syndrome 16. Last evaluated: 2024-06-17. Review status: criteria provided, single submitter. Criteria: ACMG Guidelines, 2015. Collection method: clinical testing. Allele origin: germline.

Ambry Genetics
Classification: Uncertain significance for Inborn genetic diseases. Last evaluated: 2024-01-30. Review status: criteria provided, single submitter. Criteria: Ambry Variant Classification Scheme 2023. Collection method: clinical testing. Allele origin: germline.

Blueprint Genetics
Classification: Uncertain significance. Last evaluated: 2023-11-20. Review status: criteria provided, single submitter. Criteria: ACMG Guidelines, 2015. Collection method: clinical testing. Allele origin: germline.

PreventionGenetics, part of Exact Sciences
Classification: Uncertain significance for SDCCAG8-related condition. Last evaluated: 2024-04-25. Review status: no assertion criteria provided. Collection method: clinical testing. Allele origin: germline. Not counted in ClinVar's aggregate classification.
Comment: The SDCCAG8 c.64C>T variant is predicted to result in the amino acid substitution p.Arg22Trp. To our knowledge, this variant has not been reported in the literature. This variant is reported in 0.0039% of alleles in individuals of European (Non-Finnish) descent in gnomAD. At this time, the clinical significance of this variant is uncertain due to the absence of conclusive functional and genetic evidence.

NM_006642.5(SDCCAG8):c.64C>T (p.Arg22Trp)

Gene: SDCCAG8 (SHH signaling and ciliogenesis regulator SDCCAG8; plus strand). Cytogenetic location: 1q43.
Variant type: single nucleotide variant.
Coding change: c.64C>T on transcript NM_006642.5 (MANE Select); coding-DNA position 64, C replaced by T.
Protein change: p.Arg22Trp; replaces arginine 22 with tryptophan.
Molecular consequence: missense variant. On other transcripts: 5 prime UTR variant (4).
Genome position (GRCh38, 1-based): chr1:243,256,237, C>T. VCF-style: chr1-243256237-C-T. GRCh37 (hg19) VCF-style: chr1-243419539-C-T.
Other names: c.-1049C>T (NM_001350246.2); c.-937C>T (NM_001350247.2); c.64C>T, p.Arg22Trp (NM_001350248.2); c.-244C>T (NM_001350249.2); c.-1310C>T (NM_001350251.2); short protein forms R22W.
Identifiers: ClinVar variation 3158890 (VCV003158890.5), dbSNP rs753770267, ClinGen allele CA1483173.